The following is an entry in ClinVar:

ClinVar aggregate classification (germline): Conflicting classifications of pathogenicity. Review status: criteria provided, conflicting classifications (1 of 4 stars). 4 submissions from 4 submitters: Uncertain significance (1); Likely benign (2). 1 of the submissions does not count toward it. Last evaluated 2025-12-24.

Conditions:
Peroxisome biogenesis disorder, complementation group K (CGK). Identifiers: MedGen C1866257, MONDO:0800365.
PEX14-related disorder. Also called: PEX14-related condition.

Allele frequency attached by ClinVar (database versions not stated): ESP Exome Variant Server 0.00054; TOPMed 0.00077; gnomAD 0.00080; 1000 Genomes Project 0.00140; 1000 Genomes Project 30x 0.00141.
gnomAD v4.1: 215 of 1,610,166 alleles (0.013%); highest among the groups gnomAD compares: African/African-American, 0.27%; no homozygotes.

Submissions (4):

Labcorp Genetics (formerly Invitae), Labcorp
Classification: Likely benign for Peroxisome biogenesis disorder, complementation group K. Last evaluated: 2025-12-24. Review status: criteria provided, single submitter. Criteria: Invitae Variant Classification Sherloc (09022015). Collection method: clinical testing. Allele origin: germline.

Mayo Clinic Laboratories, Mayo Clinic
Classification: Likely benign. Last evaluated: 2025-07-30. Review status: criteria provided, single submitter. Criteria: ACMG Guidelines, 2015. Collection method: clinical testing. Allele origin: germline. Observed: 1 variant allele.
Comment: BS1, BP4_moderate

Eurofins Ntd Llc (ga)
Classification: Uncertain significance. Last evaluated: 2017-08-24. Review status: criteria provided, single submitter. Criteria: EGL Classification Definitions 2015. Collection method: clinical testing. Allele origin: germline. Observed: 2 variant alleles, 2 heterozygotes.

PreventionGenetics, part of Exact Sciences
Classification: Likely benign for PEX14-related condition. Last evaluated: 2022-10-31. Review status: no assertion criteria provided. Collection method: clinical testing. Allele origin: germline. Not counted in ClinVar's aggregate classification.
Comment: This variant is classified as likely benign based on ACMG/AMP sequence variant interpretation guidelines (Richards et al. 2015 PMID: 25741868, with internal and published modifications).

NM_004565.3(PEX14):c.29C>G (p.Pro10Arg)

Gene: PEX14 (peroxisomal biogenesis factor 14; plus strand). Cytogenetic location: 1p36.22.
Variant type: single nucleotide variant.
Coding change: c.29C>G on transcript NM_004565.3 (MANE Select); coding-DNA position 29, C replaced by G.
Protein change: p.Pro10Arg; replaces proline 10 with arginine.
Molecular consequence: missense variant.
Genome position (GRCh38, 1-based): chr1:10,474,995, C>G. VCF-style: chr1-10474995-C-G. GRCh37 (hg19) VCF-style: chr1-10535052-C-G.
Other names: p.Pro10Arg; short protein forms P10R.
Identifiers: ClinVar variation 593805 (VCV000593805.18), dbSNP rs12068754, ClinGen allele CA583658.